The following is an entry in ClinVar:

NM_000218.3(KCNQ1):c.1031C>A (p.Ala344Glu)

Gene: KCNQ1 (potassium voltage-gated channel subfamily Q member 1; plus strand). Cytogenetic location: 11p15.5.
Variant type: single nucleotide variant.
Coding change: c.1031C>A on transcript NM_000218.3 (MANE Select); coding-DNA position 1031, C replaced by A.
Protein change: p.Ala344Glu; replaces alanine 344 with glutamic acid.
Molecular consequence: missense variant.
Genome position (GRCh38, 1-based): chr11:2,583,544, C>A. VCF-style: chr11-2583544-C-A. GRCh37 (hg19) VCF-style: chr11-2604774-C-A.
Other names: c.1031C>A (LRG_287t1); c.1031C>A, p.Ala344Glu (NM_001406836.1); c.761C>A, p.Ala254Glu (NM_001406837.1); c.587C>A, p.Ala196Glu (NM_001406838.1); c.650C>A, p.Ala217Glu (NM_181798.2); short protein forms A344E, A217E, A254E, A196E.
Identifiers: ClinVar variation 67006 (VCV000067006.17), dbSNP rs199472763, ClinGen allele CA004955.

ClinVar aggregate classification (germline): Conflicting classifications of pathogenicity. Review status: criteria provided, conflicting classifications (1 of 4 stars). 6 submissions from 6 submitters: Pathogenic (1); Likely pathogenic (3); Uncertain significance (1). 1 of the submissions does not count toward it. Last evaluated 2026-08-01.

Conditions:
Cardiovascular phenotype. Identifiers: MedGen CN230736.
Familial long QT syndrome (RWS). Also called: Congenital long QT syndrome; Romano-Ward syndrome; VENTRICULAR FIBRILLATION WITH PROLONGED QT INTERVAL. Identifiers: Orphanet 768, MedGen C1141890, MONDO:0019171.
Long QT syndrome (LQTS). Identifiers: MedGen C0023976, MeSH D008133, MONDO:0002442. Disease mechanism: loss of function. Inheritance: Various modes of inheritance.

Submissions (6):

CeGaT Center for Human Genetics Tuebingen
Classification: Likely pathogenic. Last evaluated: 2026-08-01. Review status: criteria provided, single submitter. Criteria: CeGaT Center For Human Genetics Tuebingen Variant Classification Criteria Version 2. Collection method: clinical testing. Allele origin: germline. Affected: yes. Observed: 1 variant allele.
Comment: KCNQ1: PM1, PM2, PM5, PS4:Moderate, PP3

Labcorp Genetics (formerly Invitae), Labcorp
Classification: Pathogenic for Long QT syndrome. Last evaluated: 2025-03-05. Review status: criteria provided, single submitter. Criteria: Invitae Variant Classification Sherloc (09022015). Collection method: clinical testing. Allele origin: germline.
Comment: This sequence change replaces alanine, which is neutral and non-polar, with glutamic acid, which is acidic and polar, at codon 344 of the KCNQ1 protein (p.Ala344Glu). This variant is not present in population databases (gnomAD no frequency). This missense change has been observed in individuals with long QT syndrome (PMID: 15234419, 15840476, 19261104, 21511995, 23098067). ClinVar contains an entry for this variant (Variation ID: 67006). Invitae Evidence Modeling of protein sequence and biophysical properties (such as structural, functional, and spatial information, amino acid conservation, physicochemical variation, residue mobility, and thermodynamic stability) indicates that this missense variant is expected to disrupt KCNQ1 protein function with a positive predictive value of 95%. This variant disrupts the p.Ala344 amino acid residue in KCNQ1. Other variant(s) that disrupt this residue have been determined to be pathogenic (PMID: 9386136, 16922724, 17088455, 17470695, 19490272, 24217263). This suggests that this residue is clinically significant, and that variants that disrupt this residue are likely to be disease-causing. For these reasons, this variant has been classified as Pathogenic.

Clinical Genetics Laboratory, Skane University Hospital Lund
Classification: Likely pathogenic. Last evaluated: 2023-03-20. Review status: criteria provided, single submitter. Criteria: ACMG Guidelines, 2015. Collection method: clinical testing. Allele origin: germline. Affected: yes.

Ambry Genetics
Classification: Likely pathogenic for Cardiovascular phenotype. Last evaluated: 2017-07-12. Review status: criteria provided, single submitter. Criteria: Ambry Variant Classification Scheme 2023. Collection method: clinical testing. Allele origin: germline.
Comment: The p.A344E variant (also known as c.1031C>A), located in coding exon 7 of the KCNQ1 gene, results from a C to A substitution at nucleotide position 1031. The alanine at codon 344 is replaced by glutamic acid, an amino acid with dissimilar properties, and is located in the S6 region of the KCNQ1 protein. This alteration has been reported in a number of long QT syndrome (LQTS) cohorts (Shimizu W et al. J. Am. Coll. Cardiol. 2004;44:117-25; Tester DJ et al. Heart Rhythm. 2005;2:507-17; Yasuda K et al. Pediatr Int. 2008;50:611-4; Horigome H et al. Circ Arrhythm Electrophysiol. 2011;4:456-64; Stattin EL et al. BMC Cardiovasc Disord. 2012;12:95; Miyazaki A et al. JACC:Clinical Electrophysiology. 2016;2(3):266-76). In one study, an RNA assay indicated that this alteration leads to a splicing defect (Itoh H et al. Eur. J. Hum. Genet. 2016;24:1160-6). Multiple alterations in the same codon (c.1031C>T p.A344V, c.1031C>G p.A344G, c.1032G>C p.A344A, c.1032G>T p.A344A, and c.1032G>T p.A344A) have been associated with LQTS (Donger C et al. Circulation. 1997;96:2778-81; Kanters JK et al. J. Cardiovasc. Electrophysiol.1998;9:620-4; Murray A e tal. Circulation. 1999;100(10):1077-84; Burns C et al. J Arrhythm. 2016;32:456-461). This amino acid position is highly conserved in available vertebrate species. In addition, this alteration is predicted to be deleterious by in silico analysis. Based on the majority of available evidence to date, this variant is likely to be pathogenic.

Stanford Center for Inherited Cardiovascular Disease, Stanford University
Classification: Uncertain significance. Last evaluated: 2014-07-22. Review status: criteria provided, single submitter. Criteria: ACMG Guidelines, 2015. Collection method: provider interpretation. Allele origin: germline.

Cardiovascular Biomedical Research Unit, Royal Brompton & Harefield NHS Foundation Trust
No classification provided. Condition: Familial long QT syndrome. Review status: no classification provided. Collection method: literature only. Allele origin: germline. Not counted in ClinVar's aggregate classification.
Comment: This variant has been reported as associated with Long QT syndrome in the following publications (PMID:15234419;PMID:15840476). This is a literature report, and does not necessarily reflect the clinical interpretation of the Imperial College / Royal Brompton Cardiovascular Genetics laboratory.

Literature cited by the submitters: PubMed 15234419 (cited by 3 submitters); PubMed 15840476 (cited by 3 submitters); PubMed 19261104 (cited by Labcorp Genetics (formerly Invitae), Labcorp and Ambry Genetics); PubMed 21511995 (cited by Labcorp Genetics (formerly Invitae), Labcorp and Ambry Genetics); PubMed 23098067 (cited by Labcorp Genetics (formerly Invitae), Labcorp and Ambry Genetics); PubMed 9386136 (cited by Labcorp Genetics (formerly Invitae), Labcorp and Ambry Genetics); PubMed 16922724 (cited by Labcorp Genetics (formerly Invitae), Labcorp); PubMed 17088455 (cited by Labcorp Genetics (formerly Invitae), Labcorp); PubMed 17470695 (cited by Labcorp Genetics (formerly Invitae), Labcorp); PubMed 19490272 (cited by Labcorp Genetics (formerly Invitae), Labcorp); PubMed 24217263 (cited by Labcorp Genetics (formerly Invitae), Labcorp); PubMed 24363352 (cited by Ambry Genetics); PubMed 26669661 (cited by Ambry Genetics); PubMed 27920829 (cited by Ambry Genetics); PubMed 22581653 (cited by Cardiovascular Biomedical Research Unit, Royal Brompton & Harefield NHS Foundation Trust).